The following is an entry in ClinVar:

ClinVar aggregate classification (germline): Pathogenic. Review status: criteria provided, multiple submitters, no conflicts (2 of 4 stars). 3 submissions from 3 submitters: Pathogenic (2). 1 of the submissions does not count toward it. Last evaluated 2023-02-21.

Conditions:
Familial thoracic aortic aneurysm and aortic dissection (TAAD). Also called: Thoracic aortic aneurysms and dissections. Identifiers: Orphanet 91387, MedGen C4707243, MONDO:0019625.
Marfan syndrome (MFS). Also called: Marfan syndrome type 1; Marfan syndrome, classic; Marfan's syndrome; FBN1-Related Marfan Syndrome; MARFAN SYNDROME, TYPE I. Identifiers: Orphanet 284963, Orphanet 558, MedGen C0024796, MONDO:0007947, OMIM 154700.

Submissions (3):

Labcorp Genetics (formerly Invitae), Labcorp
Classification: Pathogenic for Marfan syndrome; Familial thoracic aortic aneurysm and aortic dissection. Last evaluated: 2023-02-21. Review status: criteria provided, single submitter. Criteria: Invitae Variant Classification Sherloc (09022015). Collection method: clinical testing. Allele origin: germline.
Comment: For these reasons, this variant has been classified as Pathogenic. This variant disrupts the p.Cys1431 amino acid residue in FBN1. Other variant(s) that disrupt this residue have been observed in individuals with FBN1-related conditions (PMID: 21542060, 24161884), which suggests that this may be a clinically significant amino acid residue. This variant affects a cysteine residue in the EGF-like, TGFBP or hybrid motif domains of FBN1. Cysteine residues are believed to be involved in intramolecular disulfide bridges and have been shown to be important for FBN1 protein structure (PMID: 16905551, 19349279). In addition, missense substitutions affecting cysteine residues within these domains are significantly overrepresented among patients with Marfan syndrome (PMID: 16571647, 17701892). Advanced modeling of protein sequence and biophysical properties (such as structural, functional, and spatial information, amino acid conservation, physicochemical variation, residue mobility, and thermodynamic stability) performed at Invitae indicates that this missense variant is expected to disrupt FBN1 protein function. ClinVar contains an entry for this variant (Variation ID: 549219). This missense change has been observed in individuals with clinical features of Marfan syndrome (PMID: 21542060, 28855619, 28973303). This variant is not present in population databases (gnomAD no frequency). This sequence change replaces cysteine, which is neutral and slightly polar, with tyrosine, which is neutral and polar, at codon 1431 of the FBN1 protein (p.Cys1431Tyr).

Centre of Medical Genetics, University of Antwerp
Classification: Pathogenic for Marfan syndrome. Last evaluated: 2021-03-01. Review status: criteria provided, single submitter. Criteria: Submitter's publication. Collection method: research. Allele origin: unknown. Affected: yes.
Comment: PM2, PVS2, PP4

Center for Medical Genetics Ghent, University of Ghent
Classification: Likely pathogenic for Marfan syndrome. Last evaluated: 2017-11-07. Review status: no assertion criteria provided. Collection method: clinical testing. Allele origin: germline. Affected: yes. Not counted in ClinVar's aggregate classification.

Literature cited by the submitters: PubMed 21542060 (cited by Labcorp Genetics (formerly Invitae), Labcorp); PubMed 24161884 (cited by Labcorp Genetics (formerly Invitae), Labcorp); PubMed 16905551 (cited by Labcorp Genetics (formerly Invitae), Labcorp); PubMed 19349279 (cited by Labcorp Genetics (formerly Invitae), Labcorp); PubMed 16571647 (cited by Labcorp Genetics (formerly Invitae), Labcorp); PubMed 17701892 (cited by Labcorp Genetics (formerly Invitae), Labcorp); PubMed 28855619 (cited by Labcorp Genetics (formerly Invitae), Labcorp); PubMed 28973303 (cited by Labcorp Genetics (formerly Invitae), Labcorp).

NM_000138.5(FBN1):c.4292G>A (p.Cys1431Tyr)

Genes: FBN1 (fibrillin 1; minus strand), LOC126862124 (CDK7 strongly-dependent group 2 enhancer GRCh37_chr15:48764566-48765765; plus strand). Cytogenetic location: 15q21.1.
Variant type: single nucleotide variant.
Coding change: c.4292G>A on transcript NM_000138.5 (MANE Select); coding-DNA position 4292, G replaced by A.
Protein change: p.Cys1431Tyr; replaces cysteine 1431 with tyrosine.
Molecular consequence: missense variant.
Genome position (GRCh38, 1-based): chr15:48,472,595, C>T on the plus strand (G>A on the coding strand, the complement: FBN1 is on the minus strand). VCF-style: chr15-48472595-C-T. GRCh37 (hg19) VCF-style: chr15-48764792-C-T.
Other names: short protein forms C1431Y.
Identifiers: ClinVar variation 549219 (VCV000549219.28), dbSNP rs1555397540, ClinGen allele CA392317693.